The following is an entry in ClinVar:

ClinVar aggregate classification (germline): Conflicting classifications of pathogenicity. Review status: criteria provided, conflicting classifications (1 of 4 stars). 2 submissions from 2 submitters: Likely pathogenic (1); Uncertain significance (1). Last evaluated 2021-11-25.

Conditions:
KIAA1549-related disorder. Also called: KIAA1549-related condition.

Submissions (2):

Blueprint Genetics
Classification: Likely pathogenic for KIAA1549-related disorders. Last evaluated: 2021-11-25. Review status: criteria provided, single submitter. Criteria: ACMG Guidelines, 2015. Collection method: clinical testing. Allele origin: germline. Affected: yes. Observed: 1 variant allele.

Labcorp Genetics (formerly Invitae), Labcorp
Classification: Uncertain significance. Last evaluated: 2019-10-22. Review status: criteria provided, single submitter. Criteria: Invitae Variant Classification Sherloc (09022015). Collection method: clinical testing. Allele origin: germline.
Comment: This sequence change creates a premature translational stop signal (p.Ala1490Cysfs*60) in the KIAA1549 gene. It is expected to result in an absent or disrupted protein product. This variant is not present in population databases (ExAC no frequency). This variant has not been reported in the literature in individuals with KIAA1549-related conditions. The current clinical and genetic evidence is not sufficient to establish whether loss-of-function variants in KIAA1549 cause disease. In summary, the available evidence is currently insufficient to determine the role of this variant in disease. Therefore, it has been classified as a Variant of Uncertain Significance.

NM_001164665.2(KIAA1549):c.4467_4470del (p.Ala1490fs)

Gene: KIAA1549 (KIAA1549; minus strand). Cytogenetic location: 7q34.
Variant type: Deletion.
Coding change: c.4467_4470del on transcript NM_001164665.2 (MANE Select); coding-DNA positions 4467 to 4470, 4 bases deleted (CGCC; older notation c.4467_4470delCGCC).
Protein change: p.Ala1490fs; shifts the reading frame from alanine 1490.
Molecular consequence: frameshift variant.
Genome position (GRCh38, 1-based): chr7:138,871,238-138,871,241, GGCG deleted on the plus strand (CGCC on the coding strand, the reverse complement: KIAA1549 is on the minus strand). VCF-style (leftmost placement, unchanged base first): chr7-138871237-TGGCG-T. GRCh37 (hg19) VCF-style: chr7-138555983-TGGCG-T.
Other names: c.4467_4470del, p.Ala1490fs (NM_020910.3); short protein forms A1490fs.
Identifiers: ClinVar variation 955280 (VCV000955280.6), dbSNP rs1810925849, ClinGen allele CA645565120.